The following is an entry in ClinVar:

ClinVar aggregate classification (germline): Uncertain significance. Review status: criteria provided, multiple submitters, no conflicts (2 of 4 stars). 2 submissions from 2 submitters: Uncertain significance (2). Last evaluated 2022-06-01.

Allele frequency attached by ClinVar (database versions not stated): ExAC 0.00001; gnomAD exomes 0.00004; gnomAD 0.00005; TOPMed 0.00006.
gnomAD v4.1: 73 of 1,612,126 alleles (0.0045%); highest among the groups gnomAD compares: South Asian, 0.0088%; no homozygotes.

Submissions (2):

Blueprint Genetics
Classification: Uncertain significance. Last evaluated: 2022-06-01. Review status: criteria provided, single submitter. Criteria: ACMG Guidelines, 2015. Collection method: clinical testing. Allele origin: germline.

Labcorp Genetics (formerly Invitae), Labcorp
Classification: Uncertain significance. Last evaluated: 2022-05-16. Review status: criteria provided, single submitter. Criteria: Invitae Variant Classification Sherloc (09022015). Collection method: clinical testing. Allele origin: germline.
Comment: This sequence change replaces arginine, which is basic and polar, with cysteine, which is neutral and slightly polar, at codon 252 of the SERPINF1 protein (p.Arg252Cys). This variant is present in population databases (rs758130179, gnomAD 0.01%). This variant has not been reported in the literature in individuals affected with SERPINF1-related conditions. Algorithms developed to predict the effect of missense changes on protein structure and function are either unavailable or do not agree on the potential impact of this missense change (SIFT: "Not Available"; PolyPhen-2: "Probably Damaging"; Align-GVGD: "Not Available"). In summary, the available evidence is currently insufficient to determine the role of this variant in disease. Therefore, it has been classified as a Variant of Uncertain Significance.

NM_002615.7(SERPINF1):c.754C>T (p.Arg252Cys)

Gene: SERPINF1 (serpin family F member 1; plus strand). Cytogenetic location: 17p13.3.
Variant type: single nucleotide variant.
Coding change: c.754C>T on transcript NM_002615.7 (MANE Select); coding-DNA position 754, C replaced by T.
Protein change: p.Arg252Cys; replaces arginine 252 with cysteine.
Molecular consequence: missense variant.
Genome position (GRCh38, 1-based): chr17:1,775,168, C>T. VCF-style: chr17-1775168-C-T. GRCh37 (hg19) VCF-style: chr17-1678462-C-T.
Other names: c.754C>T, p.Arg252Cys (NM_001329903.2); c.193C>T, p.Arg65Cys (NM_001329904.2, NM_001329905.2); short protein forms R252C, R65C.
Identifiers: ClinVar variation 1450608 (VCV001450608.4), dbSNP rs758130179, ClinGen allele CA8274820.